The following is an entry in ClinVar:

NM_003721.4(RFXANK):c.47C>A (p.Thr16Asn)

Gene: RFXANK (regulatory factor X associated ankyrin containing protein; plus strand). Cytogenetic location: 19p13.11.
Variant type: single nucleotide variant.
Coding change: c.47C>A on transcript NM_003721.4 (MANE Select); coding-DNA position 47, C replaced by A.
Protein change: p.Thr16Asn; replaces threonine 16 with asparagine.
Molecular consequence: missense variant.
Genome position (GRCh38, 1-based): chr19:19,193,993, C>A. VCF-style: chr19-19193993-C-A. GRCh37 (hg19) VCF-style: chr19-19304802-C-A.
Other names: c.47C>A, p.Thr16Asn (NM_001278727.2, NM_001278728.2, NM_001370233.1 and 6 more transcripts); short protein forms T16N.
Identifiers: ClinVar variation 969977 (VCV000969977.6), dbSNP rs764499202, ClinGen allele CA404889488.
Genomic context (GRCh38, chr19:19,193,993, plus strand): 5'-CGCCAGCTTTCCCCATGGAGCTTACCCAGCCTGCAGAAGACCTCATCCAGACCCAGCAGA[C>A]CCCTGCCTCAGAACTTGGGGACCCTGAAGACCCCGGAGAGGAGGCTGCAGATGGCTCAGA-3'
Protein context (NP_003712.1, residues 6-26): PAEDLIQTQQ[Thr16Asn]PASELGDPED

ClinVar aggregate classification (germline): Uncertain significance (1 of 4 stars; one submission).

Conditions:
MHC class II deficiency. Also called: Bare lymphocyte syndrome 2; BLS, TYPE II. Identifiers: Orphanet 572, MedGen C5447452, MONDO:0008855.

gnomAD v4.1: 1 of 1,614,244 alleles (0.000062%); highest among the groups gnomAD compares: Non-Finnish European, 0.000085%; no homozygotes.

Submission:

Labcorp Genetics (formerly Invitae), Labcorp
Classification: Uncertain significance for MHC class II deficiency. Last evaluated: 2021-09-01. Review status: criteria provided, single submitter. Criteria: Invitae Variant Classification Sherloc (09022015). Collection method: clinical testing. Allele origin: germline.
Comment: This sequence change replaces threonine with asparagine at codon 16 of the RFXANK protein (p.Thr16Asn). The threonine residue is weakly conserved and there is a small physicochemical difference between threonine and asparagine. This variant is not present in population databases (ExAC no frequency). This variant has not been reported in the literature in individuals affected with RFXANK-related conditions. Algorithms developed to predict the effect of missense changes on protein structure and function (SIFT, PolyPhen-2, Align-GVGD) all suggest that this variant is likely to be tolerated. In summary, the available evidence is currently insufficient to determine the role of this variant in disease. Therefore, it has been classified as a Variant of Uncertain Significance.